The following is an entry in ClinVar:

NM_024422.6(DSC2):c.123del (p.Lys42fs)

Gene: DSC2 (desmocollin 2; minus strand). Cytogenetic location: 18q12.1.
Variant type: Deletion.
Coding change: c.123del on transcript NM_024422.6 (MANE Select); coding-DNA position 123, one base deleted (C; older notation c.123delC).
Protein change: p.Lys42fs; shifts the reading frame from lysine 42.
Molecular consequence: frameshift variant.
Genome position (GRCh38, 1-based): chr18:31,093,590, G deleted on the plus strand (C on the coding strand, the reverse complement: DSC2 is on the minus strand); the first of 2 consecutive G bases (chr18:31,093,590-31,093,591); deleting either gives the same sequence. VCF-style (leftmost placement, unchanged base first): chr18-31093589-TG-T. GRCh37 (hg19) VCF-style: chr18-28673552-TG-T.
Other names: c.123del, p.Lys42fs (NM_004949.5); short protein forms K42fs.
Identifiers: ClinVar variation 817185 (VCV000817185.5), dbSNP rs1598592533, ClinGen allele CA915952453.

ClinVar aggregate classification (germline): Pathogenic/Likely pathogenic. Review status: criteria provided, multiple submitters, no conflicts (2 of 4 stars). 2 submissions from 2 submitters: Pathogenic (1); Likely pathogenic (1). Last evaluated 2023-09-17.

Conditions:
Arrhythmogenic right ventricular dysplasia 11. Also called: Arrhythmogenic Right Ventricular Dysplasia/Cardiomyopathy11; ARRHYTHMOGENIC RIGHT VENTRICULAR DYSPLASIA, FAMILIAL, 11; Arrhythmogenic right ventricular dysplasia 11 with mild palmoplantar keratoderma and woolly hair. Identifiers: MedGen C1864850, MONDO:0012506, OMIM 610476.

Submissions (2):

Labcorp Genetics (formerly Invitae), Labcorp
Classification: Pathogenic for Arrhythmogenic right ventricular dysplasia 11. Last evaluated: 2023-09-17. Review status: criteria provided, single submitter. Criteria: Invitae Variant Classification Sherloc (09022015). Collection method: clinical testing. Allele origin: germline.
Comment: This variant is not present in population databases (gnomAD no frequency). This sequence change creates a premature translational stop signal (p.Lys42Asnfs*2) in the DSC2 gene. It is expected to result in an absent or disrupted protein product. Loss-of-function variants in DSC2 are known to be pathogenic (PMID: 23911551). ClinVar contains an entry for this variant (Variation ID: 817185). For these reasons, this variant has been classified as Pathogenic. This variant has not been reported in the literature in individuals affected with DSC2-related conditions.

GeneDx
Classification: Likely pathogenic. Last evaluated: 2018-08-03. Review status: criteria provided, single submitter. Criteria: GeneDx Variant Classification (06012015). Collection method: clinical testing. Allele origin: germline. Affected: yes.
Comment: Although the c.123delC likely pathogenic variant in the DSC2 gene has not been reported to our knowledge, this variant causes a shift in reading frame starting at codon lysine 42, changing it to an asparagine, and creating a premature stop codon at position 2 of the new reading frame, denoted p.Lys42AsnfsX2. This likely pathogenic variant is expected to result in either an abnormal, truncated protein product or loss of protein from this allele through nonsense-mediated mRNA decay. Other frameshift variants in the DSC2 gene have been reported in Human Gene Mutation Database in association with ARVC (Stenson et al., 2014), indicating that loss of function is a mechanism of disease for this gene. Furthermore, the c.123delC variant has not been observed in large population cohorts (Lek et al., 2016).

Literature cited by the submitters: PubMed 23911551 (cited by Labcorp Genetics (formerly Invitae), Labcorp).